The following is an entry in ClinVar:

ClinVar aggregate classification (germline): Conflicting classifications of pathogenicity. Review status: criteria provided, conflicting classifications (1 of 4 stars). 3 submissions from 3 submitters: Uncertain significance (2); Benign (1). Last evaluated 2026-01-20.

Conditions:
Hereditary cancer-predisposing syndrome. Also called: Hereditary Cancer Syndrome; Neoplastic Syndromes, Hereditary; Tumor predisposition; Hereditary neoplastic syndrome. Identifiers: Orphanet 140162, MedGen C0027672, MeSH D009386, MONDO:0015356.
Fanconi anemia complementation group O. Also called: RAD51C-Related Fanconi Anemia. Identifiers: Orphanet 84, MedGen C3150653, MONDO:0013248, OMIM 613390.

Allele frequency attached by ClinVar (database versions not stated): gnomAD exomes below 0.00001.
gnomAD v4.1: 2 of 1,611,680 alleles (0.00012%); highest among the groups gnomAD compares: Middle Eastern, 0.033%; no homozygotes.

Submissions (3):

Labcorp Genetics (formerly Invitae), Labcorp
Classification: Uncertain significance for Fanconi anemia complementation group O. Last evaluated: 2026-01-20. Review status: criteria provided, single submitter. Criteria: Invitae Variant Classification Sherloc (09022015). Collection method: clinical testing. Allele origin: germline.
Comment: This sequence change replaces glutamic acid, which is acidic and polar, with lysine, which is basic and polar, at codon 374 of the RAD51C protein (p.Glu374Lys). This variant is not present in population databases (gnomAD no frequency). This variant has not been reported in the literature in individuals affected with RAD51C-related conditions. ClinVar contains an entry for this variant (Variation ID: 639707). An algorithm developed to predict the effect of missense changes on protein structure and function outputs the following: PolyPhen-2: "Benign". The lysine amino acid residue is found in multiple mammalian species, which suggests that this missense change does not adversely affect protein function. Algorithms developed to predict the effect of sequence changes on RNA splicing suggest that this variant may disrupt the consensus splice site. In summary, the available evidence is currently insufficient to determine the role of this variant in disease. Therefore, it has been classified as a Variant of Uncertain Significance.

Ambry Genetics
Classification: Benign for Hereditary cancer-predisposing syndrome. Last evaluated: 2025-10-09. Review status: criteria provided, single submitter. Criteria: Ambry Variant Classification Scheme 2023. Collection method: clinical testing. Allele origin: germline.

GeneDx
Classification: Uncertain significance. Last evaluated: 2024-01-28. Review status: criteria provided, single submitter. Criteria: GeneDx Variant Classification Process June 2021. Collection method: clinical testing. Allele origin: germline. Affected: yes.
Comment: Not observed at significant frequency in large population cohorts (gnomAD); In silico analysis supports that this missense variant does not alter protein structure/function; Has not been previously published as pathogenic or benign to our knowledge; This variant is associated with the following publications: (PMID: 14704354)

NM_058216.3(RAD51C):c.1120G>A (p.Glu374Lys)

Gene: RAD51C (RAD51 paralog C; plus strand). Cytogenetic location: 17q22.
Variant type: single nucleotide variant.
Coding change: c.1120G>A on transcript NM_058216.3 (MANE Select); coding-DNA position 1120, G replaced by A.
Protein change: p.Glu374Lys; replaces glutamic acid 374 with lysine.
Molecular consequence: missense variant. On other transcripts: non-coding transcript variant (1).
Genome position (GRCh38, 1-based): chr17:58,734,211, G>A. VCF-style: chr17-58734211-G-A. GRCh37 (hg19) VCF-style: chr17-56811572-G-A.
Other names: short protein forms E374K.
Identifiers: ClinVar variation 639707 (VCV000639707.13), dbSNP rs1598540478, ClinGen allele CA400366639.